The following is an entry in ClinVar:

NM_001171613.2(PREPL):c.1111G>A (p.Val371Ile)

Gene: PREPL (prolyl endopeptidase like; minus strand). Cytogenetic location: 2p21.
Variant type: single nucleotide variant.
Coding change: c.1111G>A on transcript NM_001171613.2 (MANE Select); coding-DNA position 1111, G replaced by A.
Protein change: p.Val371Ile; replaces valine 371 with isoleucine.
Molecular consequence: missense variant.
Genome position (GRCh38, 1-based): chr2:44,329,088, C>T on the plus strand (G>A on the coding strand, the complement: PREPL is on the minus strand). VCF-style: chr2-44329088-C-T. GRCh37 (hg19) VCF-style: chr2-44556227-C-T.
Other names: c.1192G>A, p.Val398Ile (NM_001042385.2); c.1180G>A, p.Val394Ile (NM_001042386.2); c.1378G>A, p.Val460Ile (NM_001171603.1, NM_001171606.2, NM_001374275.1 and 2 more transcripts); c.1111G>A, p.Val371Ile (NM_001171617.1, NM_001374277.1); short protein forms V371I, V394I, V398I, V460I.
Identifiers: ClinVar variation 1928969 (VCV001928969.6), dbSNP rs1201197937, ClinGen allele CA346690678.

ClinVar aggregate classification (germline): Conflicting classifications of pathogenicity. Review status: criteria provided, conflicting classifications (1 of 4 stars). 2 submissions from 2 submitters: Uncertain significance (1); Likely benign (1). Last evaluated 2023-12-26.

Conditions:
Myasthenic syndrome, congenital, 22 (CMS22). Also called: PREPL DEFICIENCY. Identifiers: MedGen C4479088, MONDO:0044299, OMIM 616224.
Inborn genetic diseases. Identifiers: MedGen C0950123, MeSH D030342.

Allele frequency attached by ClinVar (database versions not stated): TOPMed below 0.00001; gnomAD 0.00001.
gnomAD v4.1: 13 of 1,603,896 alleles (0.00081%); highest among the groups gnomAD compares: East Asian, 0.0022%; no homozygotes.

Submissions (2):

Ambry Genetics
Classification: Likely benign for Inborn genetic diseases. Last evaluated: 2023-12-26. Review status: criteria provided, single submitter. Criteria: Ambry Variant Classification Scheme 2023. Collection method: clinical testing. Allele origin: germline.

Labcorp Genetics (formerly Invitae), Labcorp
Classification: Uncertain significance for Myasthenic syndrome, congenital, 22. Last evaluated: 2022-04-08. Review status: criteria provided, single submitter. Criteria: Invitae Variant Classification Sherloc (09022015). Collection method: clinical testing. Allele origin: germline.
Comment: In summary, the available evidence is currently insufficient to determine the role of this variant in disease. Therefore, it has been classified as a Variant of Uncertain Significance. Algorithms developed to predict the effect of missense changes on protein structure and function output the following: SIFT: "Tolerated"; PolyPhen-2: "Benign"; Align-GVGD: "Class C0". The isoleucine amino acid residue is found in multiple mammalian species, which suggests that this missense change does not adversely affect protein function. This variant has not been reported in the literature in individuals affected with PREPL-related conditions. This variant is present in population databases (no rsID available, gnomAD 0.007%). This sequence change replaces valine, which is neutral and non-polar, with isoleucine, which is neutral and non-polar, at codon 460 of the PREPL protein (p.Val460Ile).